The following is an entry in ClinVar:

NM_003900.5(SQSTM1):c.626G>C (p.Arg209Pro)

Gene: SQSTM1 (sequestosome 1; plus strand). Cytogenetic location: 5q35.3.
Variant type: single nucleotide variant.
Coding change: c.626G>C on transcript NM_003900.5 (MANE Select); coding-DNA position 626, G replaced by C.
Protein change: p.Arg209Pro; replaces arginine 209 with proline.
Molecular consequence: missense variant.
Genome position (GRCh38, 1-based): chr5:179,824,276, G>C. VCF-style: chr5-179824276-G-C. GRCh37 (hg19) VCF-style: chr5-179251276-G-C.
Other names: c.374G>C, p.Arg125Pro (NM_001142298.2, NM_001142299.2); short protein forms R125P, R209P.
Identifiers: ClinVar variation 2942489 (VCV002942489.3), dbSNP rs1303154345, ClinGen allele CA362445879.
Genomic context (GRCh38, chr5:179,824,276, plus strand): 5'-AACACGGACACTTCGGGTGGCCAGGATGGGAAATGGGTCCACCAGGAAACTGGAGCCCAC[G>C]TCCTCCTCGTGCAGGGGAGGCCCGCCCTGGCCCCACGGCAGAATCAGGTGAGGCTTGTGT-3'
Protein context (NP_003891.1, residues 199-219): EMGPPGNWSP[Arg209Pro]PPRAGEARPG

ClinVar aggregate classification (germline): Uncertain significance (1 of 4 stars; one submission).

Conditions:
Frontotemporal dementia and/or amyotrophic lateral sclerosis 1 (FTDALS1). Also called: C9orf72 Frontotemporal Dementia and/or Amyotrophic Lateral Sclerosis; Frontotemporal dementia with motor neuron disease 1. Identifiers: Orphanet 275872, MedGen C5779877, MONDO:0007105, OMIM 105550.
Paget disease of bone 2, early-onset (PDB2). Also called: Paget disease of bone 2. Identifiers: MedGen C4085251, MONDO:0011183, OMIM 602080.

gnomAD v4.1: 2 of 1,613,766 alleles (0.00012%); highest among the groups gnomAD compares: Non-Finnish European, 0.00017%; no homozygotes.

Submission:

Labcorp Genetics (formerly Invitae), Labcorp
Classification: Uncertain significance for Paget disease of bone 2, early-onset; Frontotemporal dementia and/or amyotrophic lateral sclerosis 1. Last evaluated: 2023-09-18. Review status: criteria provided, single submitter. Criteria: Invitae Variant Classification Sherloc (09022015). Collection method: clinical testing. Allele origin: germline.
Comment: This sequence change replaces arginine, which is basic and polar, with proline, which is neutral and non-polar, at codon 209 of the SQSTM1 protein (p.Arg209Pro). This variant is not present in population databases (gnomAD no frequency). This variant has not been reported in the literature in individuals affected with SQSTM1-related conditions. Advanced modeling of protein sequence and biophysical properties (such as structural, functional, and spatial information, amino acid conservation, physicochemical variation, residue mobility, and thermodynamic stability) performed at Invitae indicates that this missense variant is not expected to disrupt SQSTM1 protein function. In summary, the available evidence is currently insufficient to determine the role of this variant in disease. Therefore, it has been classified as a Variant of Uncertain Significance.